The following is an entry in ClinVar:

ClinVar aggregate classification (germline): Uncertain significance (1 of 4 stars; one submission).

Allele frequency attached by ClinVar (database versions not stated): gnomAD 0.00001; TOPMed 0.00001; ExAC 0.00002; gnomAD exomes 0.00002; ESP Exome Variant Server 0.00008.
gnomAD v4.1: 28 of 1,613,276 alleles (0.0017%); highest among the groups gnomAD compares: Non-Finnish European, 0.0023%; no homozygotes.

Submission:

Labcorp Genetics (formerly Invitae), Labcorp
Classification: Uncertain significance. Last evaluated: 2022-07-29. Review status: criteria provided, single submitter. Criteria: Invitae Variant Classification Sherloc (09022015). Collection method: clinical testing. Allele origin: germline.
Comment: This sequence change replaces tyrosine, which is neutral and polar, with cysteine, which is neutral and slightly polar, at codon 880 of the ERCC6 protein (p.Tyr880Cys). This variant is present in population databases (rs368646756, gnomAD 0.004%). This variant has not been reported in the literature in individuals affected with ERCC6-related conditions. Algorithms developed to predict the effect of missense changes on protein structure and function (SIFT, PolyPhen-2, Align-GVGD) all suggest that this variant is likely to be disruptive. In summary, the available evidence is currently insufficient to determine the role of this variant in disease. Therefore, it has been classified as a Variant of Uncertain Significance.

NM_000124.4(ERCC6):c.2639A>G (p.Tyr880Cys)

Gene: ERCC6 (ERCC excision repair 6, chromatin remodeling factor; minus strand). Cytogenetic location: 10q11.23.
Variant type: single nucleotide variant.
Coding change: c.2639A>G on transcript NM_000124.4 (MANE Select); coding-DNA position 2639, A replaced by G.
Protein change: p.Tyr880Cys; replaces tyrosine 880 with cysteine.
Molecular consequence: missense variant.
Genome position (GRCh38, 1-based): chr10:49,473,547, T>C on the plus strand (A>G on the coding strand, the complement: ERCC6 is on the minus strand). VCF-style: chr10-49473547-T-C. GRCh37 (hg19) VCF-style: chr10-50681593-T-C.
Other names: c.2639A>G, p.Tyr880Cys (NM_001346440.2); short protein forms Y880C.
Identifiers: ClinVar variation 2158415 (VCV002158415.1), dbSNP rs368646756, ClinGen allele CA5495593.